The following is an entry in ClinVar:

ClinVar aggregate classification (germline): Uncertain significance (1 of 4 stars; one submission).

Allele frequency attached by ClinVar (database versions not stated): gnomAD 0.00001; gnomAD exomes 0.00001.
gnomAD v4.1: 16 of 1,613,844 alleles (0.00099%); highest among the groups gnomAD compares: East Asian, 0.0022%; no homozygotes.

Submission:

Labcorp Genetics (formerly Invitae), Labcorp
Classification: Uncertain significance. Last evaluated: 2023-09-30. Review status: criteria provided, single submitter. Criteria: Invitae Variant Classification Sherloc (09022015). Collection method: clinical testing. Allele origin: germline.
Comment: This sequence change replaces glutamic acid, which is acidic and polar, with lysine, which is basic and polar, at codon 93 of the COL10A1 protein (p.Glu93Lys). This variant is present in population databases (no rsID available, gnomAD 0.007%). This variant has not been reported in the literature in individuals affected with COL10A1-related conditions. Advanced modeling of protein sequence and biophysical properties (such as structural, functional, and spatial information, amino acid conservation, physicochemical variation, residue mobility, and thermodynamic stability) has been performed at Invitae for this missense variant, however the output from this modeling did not meet the statistical confidence thresholds required to predict the impact of this variant on COL10A1 protein function. In summary, the available evidence is currently insufficient to determine the role of this variant in disease. Therefore, it has been classified as a Variant of Uncertain Significance.

NM_000493.4(COL10A1):c.277G>A (p.Glu93Lys)

Genes: COL10A1 (collagen type X alpha 1 chain; minus strand), NT5DC1 (5'-nucleotidase domain containing 1; plus strand). Cytogenetic location: 6q22.1.
Variant type: single nucleotide variant.
Coding change: c.277G>A on transcript NM_000493.4 (MANE Select); coding-DNA position 277, G replaced by A.
Protein change: p.Glu93Lys; replaces glutamic acid 93 with lysine.
Molecular consequence: missense variant. On other transcripts: intron variant (1).
Genome position (GRCh38, 1-based): chr6:116,121,839, C>T on the plus strand (G>A on the coding strand, the complement: COL10A1 is on the minus strand). VCF-style: chr6-116121839-C-T. GRCh37 (hg19) VCF-style: chr6-116443002-C-T.
Other names: c.277G>A, p.Glu93Lys (NM_001424106.1, NM_001424107.1); c.529+3894C>T (NM_152729.3); short protein forms E93K.
Identifiers: ClinVar variation 2784130 (VCV002784130.3), dbSNP rs1197340286, ClinGen allele CA365396603.